The following is an entry in ClinVar:

NM_020297.4(ABCC9):c.1963T>A (p.Tyr655Asn)

Gene: ABCC9 (ATP binding cassette subfamily C member 9; minus strand). Cytogenetic location: 12p12.1.
Variant type: single nucleotide variant.
Coding change: c.1963T>A on transcript NM_020297.4 (MANE Select); coding-DNA position 1963, T replaced by A.
Protein change: p.Tyr655Asn; replaces tyrosine 655 with asparagine.
Molecular consequence: missense variant.
Genome position (GRCh38, 1-based): chr12:21,882,822, A>T on the plus strand (T>A on the coding strand, the complement: ABCC9 is on the minus strand). VCF-style: chr12-21882822-A-T. GRCh37 (hg19) VCF-style: chr12-22035756-A-T.
Other names: c.1963T>A, p.Tyr655Asn (NM_001377273.1, NM_005691.4); c.1099T>A, p.Tyr367Asn (NM_001377274.1); short protein forms Y367N, Y655N.
Identifiers: ClinVar variation 2620828 (VCV002620828.2), dbSNP rs1268787295, ClinGen allele CA384135119.

ClinVar aggregate classification (germline): Uncertain significance (1 of 4 stars; one submission).

Conditions:
Cardiovascular phenotype. Identifiers: MedGen CN230736.

Submission:

Ambry Genetics
Classification: Uncertain significance for Cardiovascular phenotype. Last evaluated: 2023-07-19. Review status: criteria provided, single submitter. Criteria: Ambry Variant Classification Scheme 2023. Collection method: clinical testing. Allele origin: germline.
Comment: The p.Y655N variant (also known as c.1963T>A), located in coding exon 14 of the ABCC9 gene, results from a T to A substitution at nucleotide position 1963. The tyrosine at codon 655 is replaced by asparagine, an amino acid with dissimilar properties. This amino acid position is highly conserved in available vertebrate species. In addition, the in silico prediction for this alteration is inconclusive. Since supporting evidence is limited at this time, the clinical significance of this alteration remains unclear.